The following is an entry in ClinVar:

NM_000138.5(FBN1):c.6448C>T (p.Arg2150Cys)

Gene: FBN1 (fibrillin 1; minus strand). Cytogenetic location: 15q21.1.
Variant type: single nucleotide variant.
Coding change: c.6448C>T on transcript NM_000138.5 (MANE Select); coding-DNA position 6448, C replaced by T.
Protein change: p.Arg2150Cys; replaces arginine 2150 with cysteine.
Molecular consequence: missense variant.
Genome position (GRCh38, 1-based): chr15:48,437,009, G>A on the plus strand (C>T on the coding strand, the complement: FBN1 is on the minus strand). VCF-style: chr15-48437009-G-A. GRCh37 (hg19) VCF-style: chr15-48729206-G-A.
Other names: p.R2150C:CGC>TGC; NM_000138.5(FBN1):c.6448C>T; p.Arg2150Cys; short protein forms R2150C.
Identifiers: ClinVar variation 200084 (VCV000200084.23), dbSNP rs76702162, ClinGen allele CA016472.

ClinVar aggregate classification (germline): Pathogenic. Review status: reviewed by expert panel (3 of 4 stars). 8 submissions from 8 submitters: Pathogenic (1). 7 of the submissions do not count toward it. Last evaluated 2024-08-22.

Conditions:
Marfan syndrome (MFS). Also called: Marfan syndrome, classic; FBN1-Related Marfan Syndrome; Marfan syndrome type 1; Marfan's syndrome; MARFAN SYNDROME, TYPE I. Identifiers: Orphanet 284963, Orphanet 558, MedGen C0024796, MONDO:0007947, OMIM 154700.
Familial thoracic aortic aneurysm and aortic dissection (TAAD). Also called: Thoracic aortic aneurysms and dissections. Identifiers: Orphanet 91387, MedGen C4707243, MONDO:0019625.
FBN1-related disorder. Also called: FBN1-related disorders.

Allele frequency attached by ClinVar (database versions not stated): gnomAD 0.00001; 1000 Genomes Project 0.00020; gnomAD exomes 0.00001; ExAC 0.00002; 1000 Genomes Project 30x 0.00031.
gnomAD v4.1: 1 of 1,613,160 alleles (0.000062%); highest among the groups gnomAD compares: Non-Finnish European, 0.000085%; no homozygotes.

Submissions (8):

ClinGen FBN1 Variant Curation Expert Panel, ClinGen
Classification: Pathogenic for Marfan syndrome. Last evaluated: 2024-08-22. Review status: reviewed by expert panel. Criteria: Assertion Criteria VCEP FBN1 Version 1. Collection method: curation. Allele origin: germline. Inheritance: Autosomal dominant inheritance.
Comment: NM_000138.5 c.6448C>T is a missense variant in FBN1 predicted to cause a substitution of an arginine by cysteine at amino acid 2150 (p.Arg2150Cys). This variant has been identified in more than 15 patients with features suggestive of, or consistent with, Marfan syndrome (MFS), including at least three who meet clinical diagnostic criteria for MFS and more than 10 individuals who do not meet MFS diagnostic criteria but have thoracic aortic aneurysm and dissection (TAAD), with or without additional clinical features of MFS (PS4, PP4; Bichat, University of Tokyo, UZA, Invitae, & GeneDx internal data; PMIDs: 37042257, 19161152, 37558401, 33059708, 31730815). The variant was found to segregate with a clinical diagnosis of MFS in one patient’s parent, and with mild features suggestive of MFS or another connective tissue disorder in approximately 11 affected family members between two additional families (PP1_strong; UZA & Invitae internal data); notably, this variant is associated with particularly variable expressivity and incomplete penetrance of the MFS phenotype. It is present in gnomAD with a maximum frequency of 0.0008% (1/113462 alleles European, non-Finnish;, v2.1.1). This variant introduces a novel cysteine residue which may impede the normal formation of essential disulfide bridges (PM1). Computational prediction tools and conservation analysis support that this variant is likely to impact the protein (PP3; REVEL = 0.923). The constraint z-score for missense variants affecting FBN1 is 8.18 (PP2; gnomAD v4.0.0). In summary, this variant meets criteria to be classified as pathogenic for Marfan syndrome based on the ACMG/AMP criteria applied, as specified by the ClinGen FBN1 VCEP: PS4, PP1_strong, PM1, PP2, PP3, PP4.

Ambry Genetics
Classification: Pathogenic for Familial thoracic aortic aneurysm and aortic dissection. Last evaluated: 2025-12-10. Review status: criteria provided, single submitter. Criteria: Ambry Variant Classification Scheme 2023. Collection method: clinical testing. Allele origin: germline. Not counted in ClinVar's aggregate classification.
Comment: The p.R2150C pathogenic mutation (also known as c.6448C>T), located in coding exon 52 of the FBN1 gene in the cb EGF-like #32 domain, results from a C to T substitution at nucleotide position 6448. The arginine at codon 2150 is replaced by cysteine, an amino acid with highly dissimilar properties. The majority of FBN1 mutations identified to date have involved the substitution or generation of cysteine residues within cbEGF domains (Vollbrandt T et al. J Biol Chem. 2004;279(31):32924-32931). This variant was reported in individual(s) with features consistent with Marfan syndrome, and segregated with disease features in at least one family (Turner CL et al. Am J Med Genet A, 2009 Feb;149A:161-70, Mannucci L et al. Clin Chim Acta, 2020 Feb;501:154-164; Stengl R et al. Orphanet J Rare Dis, 2020 Oct;15:290; Yagyu T et al. J Am Heart Assoc, 2023 Apr;12:e028625; Yoon E et al. J Med Genet, 2023 Dec;61:57-60; external communication; Ambry internal data). This amino acid position is highly conserved in available vertebrate species. In addition, this alteration is predicted to be deleterious by in silico analysis. This variant is considered to be rare based on population cohorts in the Genome Aggregation Database (gnomAD). Based on the supporting evidence, this variant is interpreted as a disease-causing mutation.

Labcorp Genetics (formerly Invitae), Labcorp
Classification: Pathogenic for Marfan syndrome; Familial thoracic aortic aneurysm and aortic dissection. Last evaluated: 2025-12-01. Review status: criteria provided, single submitter. Criteria: Invitae Variant Classification Sherloc (09022015). Collection method: clinical testing. Allele origin: germline. Not counted in ClinVar's aggregate classification.
Comment: This sequence change replaces arginine, which is basic and polar, with cysteine, which is neutral and slightly polar, at codon 2150 of the FBN1 protein (p.Arg2150Cys). This variant is present in population databases (rs76702162, gnomAD 0.004%). This missense change has been observed in individual(s) with clinical features of Marfan syndrome (PMID: 19161152, 31730815; internal data). ClinVar contains an entry for this variant (Variation ID: 200084). Invitae Evidence Modeling of protein sequence and biophysical properties (such as structural, functional, and spatial information, amino acid conservation, physicochemical variation, residue mobility, and thermodynamic stability) indicates that this missense variant is expected to disrupt FBN1 protein function with a positive predictive value of 95%. This variant disrupts the p.Arg2150 amino acid residue in FBN1. Other variant(s) that disrupt this residue have been observed in individuals with FBN1-related conditions (PMID: 28973303, 31098894; internal data), which suggests that this may be a clinically significant amino acid residue. For these reasons, this variant has been classified as Pathogenic.

GeneDx
Classification: Pathogenic. Last evaluated: 2024-01-02. Review status: criteria provided, single submitter. Criteria: GeneDx Variant Classification Process June 2021. Collection method: clinical testing. Allele origin: germline. Affected: yes. Not counted in ClinVar's aggregate classification.
Comment: Not observed at significant frequency in large population cohorts (gnomAD); In silico analysis supports that this missense variant has a deleterious effect on protein structure/function; Introduces a new cysteine residue within a calcium-binding EGF-like domain of the FBN1 gene, which may affect disulfide bonding and is predicted to alter the structure and function of the protein; cysteine substitutions in the calcium-binding EGF-like domains represent the majority of pathogenic missense changes associated with FBN1- related disorders (PMID: 12938084); This variant is associated with the following publications: (PMID: 26332594, 19161152, 33059708, 31730815, 12938084)

CHEO Genetics Diagnostic Laboratory, Children's Hospital of Eastern Ontario
Classification: Uncertain significance for Familial thoracic aortic aneurysm and aortic dissection. Last evaluated: 2022-08-17. Review status: criteria provided, single submitter. Criteria: ACMG Guidelines, 2015. Collection method: clinical testing. Allele origin: germline. Not counted in ClinVar's aggregate classification.

Blueprint Genetics
Classification: Likely pathogenic for FBN1-related disorders. Last evaluated: 2019-10-28. Review status: criteria provided, single submitter. Criteria: ACMG Guidelines, 2015. Collection method: clinical testing. Allele origin: germline. Affected: yes. Observed: 1 variant allele. Not counted in ClinVar's aggregate classification.

Department of Laboratory Medicine and Genetics, Samsung Medical Center
Classification: Pathogenic for Marfan syndrome. Last evaluated: 2025-01-02. Review status: no assertion criteria provided. Collection method: clinical testing. Allele origin: germline. Not counted in ClinVar's aggregate classification.
Comment: The NM_000138.5:c.6448C>T is considered to be not rare in the general population database (gnomAD v2.1.1). This variant is predicted to be deleterious by in-silico analysis (REVEL). This variant is located in functional domains. This variant was found in a patient with Marfan syndrome meeting revised Ghent criteria (PMID: 31730815; 33059708). According to the ClinGen guidance for PP1/BS4 and PP4 criteria (PMID: 38103548), PP4 with weighted strength was applied. In summary, this variant was classified as a pathogenic variant for Marfan syndrome (PM1, PP2, PP3, PP4 with weighted strength, PS4_P).

Women's Health and Genetics/Laboratory Corporation of America, LabCorp
Classification: Uncertain significance. Last evaluated: 2016-11-21. Review status: flagged submission. Criteria: LabCorp Variant Classification Summary - May 2015. Collection method: clinical testing. Allele origin: germline. Not counted in ClinVar's aggregate classification.
Comment: Variant summary: The FBN1 c.6448C>T (p.Arg2150Cys) causes a missense change involving a conserved nucleotide located in a EGF-like domain, which 4/4 in silico programs (SNPs&GO not captured here due to low reliability index) predict a "damaging" outcome, although these predictions have yet to be functionally assessed. The variant alters an Arginine to Cysteine. Cysteines are vital for proper FBN1 function and alterations, although this variant creates another Cysteine instead of eliminating a Cysteine, it could lead to disruption of disulfide binding, secondary or tertiary structure, or possibly impairing fibrillin interactions. The variant of interest was observed in the large, broad control population, ExAC, with an allele frequency of 2/121088 (1/60544), which does not exceed the estimated maximal expected allele frequency for a pathogenic FBN1 variant of 1/8888. The variant of interest has been reported in one affected individual via a publication that does not fulfill the Ghent criteria. In addition, the variant of interest has been cited by multiple clinical diagnostic laboratories/databases with a classification of "uncertain significance." Therefore, due to the nature of this variant, the variant of interest has been classified as a "Variant of Uncertain Significance - Possibly Pathogenic," until additional information becomes available.
ClinVar note: Reason: Older claim that does not account for recent evidence

Literature cited by the submitters: PubMed 19161152 (cited by 4 submitters); PubMed 31730815 (cited by 3 submitters); PubMed 33059708 (cited by Ambry Genetics and Department of Laboratory Medicine and Genetics, Samsung Medical Center); PubMed 37042257 (cited by Ambry Genetics); PubMed 37558401 (cited by Ambry Genetics and Department of Laboratory Medicine and Genetics, Samsung Medical Center); PubMed 28973303 (cited by Labcorp Genetics (formerly Invitae), Labcorp); PubMed 31098894 (cited by Labcorp Genetics (formerly Invitae), Labcorp); PubMed 26332594 (cited by Department of Laboratory Medicine and Genetics, Samsung Medical Center and Women's Health and Genetics/Laboratory Corporation of America, LabCorp).